The following is an entry in ClinVar:

NM_001875.5(CPS1):c.681del (p.Asn229fs)

Gene: CPS1 (carbamoyl-phosphate synthase 1; plus strand). Cytogenetic location: 2q34.
Variant type: Deletion.
Coding change: c.681del on transcript NM_001875.5 (MANE Select); coding-DNA position 681, one base deleted (T; older notation c.681delT).
Protein change: p.Asn229fs; shifts the reading frame from asparagine 229.
Molecular consequence: frameshift variant. On other transcripts: non-coding transcript variant (1).
Genome position (GRCh38, 1-based): chr2:210,588,117, T deleted; the last of 2 consecutive T bases (chr2:210,588,116-210,588,117); deleting either gives the same sequence. VCF-style (leftmost placement, unchanged base first): chr2-210588115-AT-A. GRCh37 (hg19) VCF-style: chr2-211452839-AT-A.
Other names: c.681del, p.Asn229fs (NM_001122633.3, NM_001369257.1); c.714del, p.Asn240fs (NM_001369256.1); short protein forms N240fs, N229fs.
Identifiers: ClinVar variation 2833546 (VCV002833546.3), dbSNP rs2469112687, ClinGen allele CA2739280010.

ClinVar aggregate classification (germline): Pathogenic (1 of 4 stars; one submission).

Conditions:
Congenital hyperammonemia, type I. Also called: Carbamoyl-phosphate synthase I deficiency; Carbamoyl phosphate synthetase 1 deficiency; Hyperammonemia due to carbamoyl phosphate synthetase 1 deficiency; CPS 1 deficiency; Carbamyl phosphate synthetase (CPS) deficiency; CPS I DEFICIENCY. Identifiers: Orphanet 147, MedGen C4082171, MONDO:0009376, OMIM 237300.

Submission:

Labcorp Genetics (formerly Invitae), Labcorp
Classification: Pathogenic for Congenital hyperammonemia, type I. Last evaluated: 2023-02-01. Review status: criteria provided, single submitter. Criteria: Invitae Variant Classification Sherloc (09022015). Collection method: clinical testing. Allele origin: germline.
Comment: This sequence change creates a premature translational stop signal (p.Asn229Thrfs*3) in the CPS1 gene. It is expected to result in an absent or disrupted protein product. Loss-of-function variants in CPS1 are known to be pathogenic (PMID: 21120950). This variant is not present in population databases (gnomAD no frequency). This variant has not been reported in the literature in individuals affected with CPS1-related conditions. For these reasons, this variant has been classified as Pathogenic.

Literature cited by the submitters: PubMed 21120950.